The following is an entry in ClinVar:

NM_000528.4(MAN2B1):c.2778_2781dup (p.Gly928fs)

Gene: MAN2B1 (mannosidase alpha class 2B member 1; minus strand). Cytogenetic location: 19p13.13.
Variant type: Duplication.
Coding change: c.2778_2781dup on transcript NM_000528.4 (MANE Select); coding-DNA positions 2778 to 2781, 4 bases duplicated (TTCC; older notation c.2778_2781dupTTCC).
Protein change: p.Gly928fs; shifts the reading frame from glycine 928.
Molecular consequence: frameshift variant.
Genome position (GRCh38, 1-based): chr19:12,647,482-12,647,485, GGAA duplicated on the plus strand (TTCC on the coding strand, the reverse complement: MAN2B1 is on the minus strand). VCF-style (leftmost placement, unchanged base first): chr19-12647481-C-CGGAA. GRCh37 (hg19) VCF-style: chr19-12758295-C-CGGAA.
Other names: c.2775_2778dup, p.Gly927fs (NM_001173498.2); short protein forms G927fs, G928fs.
Identifiers: ClinVar variation 2676437 (VCV002676437.2), dbSNP rs2512484818, ClinGen allele CA2582717371.

ClinVar aggregate classification (germline): Pathogenic/Likely pathogenic. Review status: criteria provided, multiple submitters, no conflicts (2 of 4 stars). 2 submissions from 2 submitters: Pathogenic (1); Likely pathogenic (1). Last evaluated 2026-08-11.

Conditions:
Deficiency of alpha-mannosidase (MANSA). Also called: LYSOSOMAL ALPHA-D-MANNOSIDASE DEFICIENCY; Alpha-Mannosidosis; Mannosidosis, alpha-, types I and II. Identifiers: Orphanet 61, MedGen C0024748, MONDO:0009561, OMIM 248500.

Allele frequency attached by ClinVar (database versions not stated): gnomAD exomes below 0.00001.

Submissions (2):

Myriad Genetics, Inc.
Classification: Pathogenic for Deficiency of alpha-mannosidase. Last evaluated: 2026-08-11. Review status: criteria provided, single submitter. Criteria: Myriad Autosomal Dominant, Autosomal Recessive and X-Linked Classification Criteria (2023). Collection method: clinical testing. Allele origin: unknown.
Comment: NM_000528.3(MAN2B1):c.2778_2781dupTTCC(G928Ffs*4) is expected to be pathogenic in the context of alpha-mannosidosis. This variant is predicted to lead to an abnormal or absent protein product due to the creation of a premature termination codon in MAN2B1, a gene where loss-of-function variants are known to be pathogenic. Please note: this variant was assessed in the context of healthy population screening.

Baylor Genetics
Classification: Likely pathogenic for Deficiency of alpha-mannosidase. Last evaluated: 2022-12-26. Review status: criteria provided, single submitter. Criteria: ACMG Guidelines, 2015. Collection method: clinical testing. Allele origin: unknown.